The following is an entry in ClinVar:

ClinVar aggregate classification (germline): Likely benign (0 of 4 stars; one submission).

Conditions:
ARID1A-related disorder. Also called: ARID1A-related condition.

Allele frequency attached by ClinVar (database versions not stated): gnomAD exomes below 0.00001; ExAC 0.00001; gnomAD 0.00001; TOPMed 0.00001; ESP Exome Variant Server 0.00008.
gnomAD v4.1: 2 of 1,614,098 alleles (0.00012%); highest among the groups gnomAD compares: African/African-American, 0.0027%; no homozygotes.

Submission:

PreventionGenetics, part of Exact Sciences
Classification: Likely benign for ARID1A-related condition. Last evaluated: 2022-10-25. Review status: no assertion criteria provided. Collection method: clinical testing. Allele origin: germline.
Comment: This variant is classified as likely benign based on ACMG/AMP sequence variant interpretation guidelines (Richards et al. 2015 PMID: 25741868, with internal and published modifications).

NM_006015.6(ARID1A):c.3231A>G (p.Ala1077=)

Gene: ARID1A (AT-rich interaction domain 1A; plus strand). Cytogenetic location: 1p36.11.
Variant type: single nucleotide variant.
Coding change: c.3231A>G on transcript NM_006015.6 (MANE Select); coding-DNA position 3231, A replaced by G.
Protein change: p.Ala1077=; no amino-acid change (alanine 1077 retained).
Molecular consequence: synonymous variant.
Genome position (GRCh38, 1-based): chr1:26,771,151, A>G. VCF-style: chr1-26771151-A-G. GRCh37 (hg19) VCF-style: chr1-27097642-A-G.
Other names: c.3231A>G, p.Ala1077= (NM_139135.4).
Identifiers: ClinVar variation 3044110 (VCV003044110.2), dbSNP rs369726023, ClinGen allele CA707177.